The following is an entry in ClinVar:

NM_015662.3(IFT172):c.2026G>A (p.Gly676Arg)

Gene: IFT172 (intraflagellar transport 172; minus strand). Cytogenetic location: 2p23.3.
Variant type: single nucleotide variant.
Coding change: c.2026G>A on transcript NM_015662.3 (MANE Select); coding-DNA position 2026, G replaced by A.
Protein change: p.Gly676Arg; replaces glycine 676 with arginine.
Molecular consequence: missense variant.
Genome position (GRCh38, 1-based): chr2:27,462,790, C>T on the plus strand (G>A on the coding strand, the complement: IFT172 is on the minus strand). VCF-style: chr2-27462790-C-T. GRCh37 (hg19) VCF-style: chr2-27685657-C-T.
Other names: c.2026G>A (NM_015662.2); short protein forms G676R.
Identifiers: ClinVar variation 1433065 (VCV001433065.5), dbSNP rs761290683, ClinGen allele CA1580431.
Genomic context (GRCh38, chr2:27,462,790, plus strand): 5'-TGTAGTTCTTTTCCAGCATGGCTAGACGTGCTCGGACCTGATAAAAGTCTGTTCCTTCTC[C>T]GCCCTGTGGGGGAAAAAGGAGGTTCTGATTTTTCTGTAGGTGCTGCCATTCTGTCTGTGA-3'
Protein context (NP_056477.1, residues 666-686): IADQVSREYG[Gly676Arg]EGTDFYQVRA

ClinVar aggregate classification (germline): Uncertain significance. Review status: criteria provided, multiple submitters, no conflicts (2 of 4 stars). 3 submissions from 3 submitters: Uncertain significance (3). Last evaluated 2026-06-18.

Conditions:
Short-rib thoracic dysplasia 10 with or without polydactyly (SRTD10). Identifiers: Orphanet 474, MedGen C3810175, MONDO:0014284, OMIM 615630.
Retinitis pigmentosa 71 (RP71). Identifiers: Orphanet 791, MedGen C4225342, MONDO:0014618, OMIM 616394.
IFT172-related disorder. Also called: IFT172-related disorders; IFT172-related condition.

Allele frequency attached by ClinVar (database versions not stated): gnomAD exomes 0.00001 and 0.00002; ExAC 0.00005.
gnomAD v4.1: 15 of 1,614,040 alleles (0.00093%); highest among the groups gnomAD compares: South Asian, 0.0011%; no homozygotes.

Submissions (3):

PreventionGenetics, part of Exact Sciences
Classification: Uncertain significance for IFT172-related condition. Last evaluated: 2026-06-18. Review status: criteria provided, single submitter. Criteria: ACMG Guidelines, 2015. Collection method: clinical testing. Allele origin: germline.
Comment: The IFT172 c.2026G>A variant is predicted to result in the amino acid substitution p.Gly676Arg. To our knowledge, this variant has not been reported in the literature. This variant is reported in 0.0044% of alleles in individuals of European (Non-Finnish) descent in gnomAD. At this time, the clinical significance of this variant is uncertain due to the absence of conclusive functional and genetic evidence.

Blueprint Genetics
Classification: Uncertain significance. Last evaluated: 2024-11-06. Review status: criteria provided, single submitter. Criteria: ACMG Guidelines, 2015. Collection method: clinical testing. Allele origin: germline.

Labcorp Genetics (formerly Invitae), Labcorp
Classification: Uncertain significance for Retinitis pigmentosa 71; Short-rib thoracic dysplasia 10 with or without polydactyly. Last evaluated: 2022-07-14. Review status: criteria provided, single submitter. Criteria: Invitae Variant Classification Sherloc (09022015). Collection method: clinical testing. Allele origin: germline.
Comment: This sequence change replaces glycine, which is neutral and non-polar, with arginine, which is basic and polar, at codon 676 of the IFT172 protein (p.Gly676Arg). This variant is present in population databases (rs761290683, gnomAD 0.004%). This variant has not been reported in the literature in individuals affected with IFT172-related conditions. ClinVar contains an entry for this variant (Variation ID: 1433065). Algorithms developed to predict the effect of missense changes on protein structure and function are either unavailable or do not agree on the potential impact of this missense change (SIFT: "Deleterious"; PolyPhen-2: "Benign"; Align-GVGD: "Class C0"). Algorithms developed to predict the effect of sequence changes on RNA splicing suggest that this variant may create or strengthen a splice site. In summary, the available evidence is currently insufficient to determine the role of this variant in disease. Therefore, it has been classified as a Variant of Uncertain Significance.